The following is an entry in ClinVar:

NM_001042492.3(NF1):c.2638_2650del (p.Val880fs)

Gene: NF1 (neurofibromin 1; plus strand). Cytogenetic location: 17q11.2.
Variant type: Deletion.
Coding change: c.2638_2650del on transcript NM_001042492.3 (MANE Select); coding-DNA positions 2638 to 2650, 13 bases deleted (GTGATGTCTTCAG).
Protein change: p.Val880fs; shifts the reading frame from valine 880.
Molecular consequence: frameshift variant.
Genome position (GRCh38, 1-based): chr17:31,229,253-31,229,265, GTGATGTCTTCAG deleted. VCF-style (leftmost placement, unchanged base first): chr17-31229252-AGTGATGTCTTCAG-A. GRCh37 (hg19) VCF-style: chr17-29556270-AGTGATGTCTTCAG-A.
Other names: c.2638_2650delGTGATGTCTTCAG, p.Val880Argfs (NM_000267.4); short protein forms V880fs.
Identifiers: ClinVar variation 2109444 (VCV002109444.4), dbSNP rs2508185886, ClinGen allele CA2580093332.

ClinVar aggregate classification (germline): Pathogenic (1 of 4 stars; one submission).

Conditions:
Neurofibromatosis, type 1 (NF1). Also called: Peripheral type neurofibromatosis; NEUROFIBROMATOSIS, TYPE I, SOMATIC; VON RECKLINGHAUSEN DISEASE; Neurofibromatosis, type I. Identifiers: Orphanet 636, MedGen C0027831, MONDO:0018975, OMIM 162200. Disease mechanism: loss of function.

Submission:

Labcorp Genetics (formerly Invitae), Labcorp
Classification: Pathogenic for Neurofibromatosis, type 1. Last evaluated: 2022-03-11. Review status: criteria provided, single submitter. Criteria: Invitae Variant Classification Sherloc (09022015). Collection method: clinical testing. Allele origin: germline.
Comment: For these reasons, this variant has been classified as Pathogenic. This variant has not been reported in the literature in individuals affected with NF1-related conditions. This variant is not present in population databases (gnomAD no frequency). This sequence change creates a premature translational stop signal (p.Val880Argfs*18) in the NF1 gene. It is expected to result in an absent or disrupted protein product. Loss-of-function variants in NF1 are known to be pathogenic (PMID: 10712197, 23913538).

Literature cited by the submitters: PubMed 10712197; PubMed 23913538.